The following is an entry in ClinVar:

NM_015046.7(SETX):c.6764C>T (p.Thr2255Ile)

Gene: SETX (senataxin; minus strand). Cytogenetic location: 9q34.13.
Variant type: single nucleotide variant.
Coding change: c.6764C>T on transcript NM_015046.7 (MANE Select); coding-DNA position 6764, C replaced by T.
Protein change: p.Thr2255Ile; replaces threonine 2255 with isoleucine.
Molecular consequence: missense variant.
Genome position (GRCh38, 1-based): chr9:132,278,148, G>A on the plus strand (C>T on the coding strand, the complement: SETX is on the minus strand). VCF-style: chr9-132278148-G-A. GRCh37 (hg19) VCF-style: chr9-135153535-G-A.
Other names: c.6764C>T, p.Thr2255Ile (NM_001351527.2, NM_001351528.2); short protein forms T2255I.
Identifiers: ClinVar variation 2118758 (VCV002118758.4), dbSNP rs2538877321, ClinGen allele CA375331107.

ClinVar aggregate classification (germline): Uncertain significance (1 of 4 stars; one submission).

Conditions:
Amyotrophic lateral sclerosis type 4 (ALS4). Also called: NEURONOPATHY, DISTAL HEREDITARY MOTOR, WITH PYRAMIDAL FEATURES; AMYOTROPHIC LATERAL SCLEROSIS 4, JUVENILE. Identifiers: Orphanet 357043, MedGen C1865409, MONDO:0011223, OMIM 602433.
Spinocerebellar ataxia, autosomal recessive, with axonal neuropathy 2 (SCAN2). Also called: ATAXIA-OCULOMOTOR APRAXIA 2; Ataxia-ocular apraxia-2; Ataxia with Oculomotor Apraxia Type 2; Ataxia with Oculomotor Apraxia. Identifiers: Orphanet 64753, MedGen C1853761, MONDO:0018996, OMIM 606002.

Submission:

Labcorp Genetics (formerly Invitae), Labcorp
Classification: Uncertain significance for Amyotrophic lateral sclerosis type 4; Spinocerebellar ataxia, autosomal recessive, with axonal neuropathy 2. Last evaluated: 2022-03-28. Review status: criteria provided, single submitter. Criteria: Invitae Variant Classification Sherloc (09022015). Collection method: clinical testing. Allele origin: germline.
Comment: This variant has not been reported in the literature in individuals affected with SETX-related conditions. This variant is not present in population databases (gnomAD no frequency). This sequence change replaces threonine, which is neutral and polar, with isoleucine, which is neutral and non-polar, at codon 2255 of the SETX protein (p.Thr2255Ile). In summary, the available evidence is currently insufficient to determine the role of this variant in disease. Therefore, it has been classified as a Variant of Uncertain Significance. Advanced modeling of protein sequence and biophysical properties (such as structural, functional, and spatial information, amino acid conservation, physicochemical variation, residue mobility, and thermodynamic stability) performed at Invitae indicates that this missense variant is not expected to disrupt SETX protein function.